The following is an entry in ClinVar:

ClinVar aggregate classification (germline): Likely benign (1 of 4 stars; one submission).

gnomAD v4.1: 996 of 1,612,856 alleles (0.062%); highest among the groups gnomAD compares: African/African-American, 0.62%; 4 homozygotes.

Submission:

CeGaT Center for Human Genetics Tuebingen
Classification: Likely benign. Last evaluated: 2025-05-01. Review status: criteria provided, single submitter. Criteria: CeGaT Center For Human Genetics Tuebingen Variant Classification Criteria Version 2. Collection method: clinical testing. Allele origin: germline. Affected: yes. Observed: 1 variant allele.
Comment: FCGR2A: BP4

NM_001136219.3(FCGR2A):c.619+6G>C

Gene: FCGR2A (Fc gamma receptor IIa; plus strand). Cytogenetic location: 1q23.3.
Variant type: single nucleotide variant.
Coding change: c.619+6G>C on transcript NM_001136219.3 (MANE Select); 6 bases into the intron after coding-DNA position 619, G replaced by C.
Molecular consequence: intron variant.
Genome position (GRCh38, 1-based): chr1:161,510,080, G>C. VCF-style: chr1-161510080-G-C. GRCh37 (hg19) VCF-style: chr1-161479870-G-C.
Other names: c.619+6G>C (NM_001375296.1); c.616+6G>C (NM_021642.5, NM_001375297.1).
Identifiers: ClinVar variation 3906133 (VCV003906133.10).